The following is an entry in ClinVar:

NC_000013.10:g.(32907525_32910401)_(32915334_32918694)del

Gene: BRCA2 (BRCA2 DNA repair associated; plus strand). Cytogenetic location: 13q13.1.
Variant type: Deletion.
Identifiers: ClinVar variation 3769261 (VCV003769261.2).

ClinVar aggregate classification (germline): Pathogenic (1 of 4 stars; one submission).

Conditions:
Hereditary breast ovarian cancer syndrome. Also called: Hereditary breast and/or ovarian cancer syndrome; Hereditary breast and ovarian cancer; BRCA1- and BRCA2-Associated Hereditary Breast and Ovarian Cancer; Hereditary breast and ovarian cancer syndrome; Hereditary breast and ovarian cancer syndrome (HBOC); Breast and ovarian cancer. Identifiers: Orphanet 145, MedGen C0677776, MeSH D061325, MONDO:0003582. Disease mechanism: loss of function.

Submission:

Women's Health and Genetics/Laboratory Corporation of America, LabCorp
Classification: Pathogenic for Hereditary breast ovarian cancer syndrome. Last evaluated: 2025-01-06. Review status: criteria provided, single submitter. Criteria: LabCorp Variant Classification Summary - May 2015. Collection method: clinical testing. Allele origin: germline.
Comment: Variant summary: The variant involves the deletion of exon 11 in the BRCA2 gene. This Copy Number Variant (CNV) is predicted to result in an in-frame deletion within this gene. A presumed nomenclature of c.(1909+1_1910-1)_(6841+1_6842-1)del has been designated for the purposes of this classification. The variant was absent in 21692 control chromosomes (gnomAD structural variants data set). c.(1909+1_1910-1)_(6841+1_6842-1)del has been reported in the literature in at-least one individual affected with Breast Cancer (example: Fernndez-Lopez_2019) . At least one publication reports experimental evidence that this variant results in absence of the protein and damaging results (lack of complementation and absence of clones) in HDR assay (example: Mesman_2020). The following publications have been ascertained in the context of this evaluation (PMID: 30630528, 38355834, 32398771). ClinVar contains an entry for this variant (Variation ID: 1454446). Based on the evidence outlined above, the variant was classified as pathogenic.

Literature cited by the submitters: PubMed 30630528; PubMed 32398771; PubMed 38355834.